The following is an entry in ClinVar:

ClinVar aggregate classification (germline): Uncertain significance (1 of 4 stars; one submission).

Conditions:
Hypogonadotropic hypogonadism 1 with or without anosmia (HH1). Also called: Kallmann syndrome, type 1, X-linked; DYSPLASIA OLFACTOGENITALIS OF DE MORSIER; HYPOGONADOTROPIC HYPOGONADISM 1 WITH ANOSMIA; KAL1-Related GnRH Deficiency (Kallmann Syndrome 1; Kallmann Syndrome, X-Linked); Hypogonadotropic hypogonadism 1 with or without anosmia (Kallmann syndrome 1); HYPOGONADOTROPIC HYPOGONADISM AND ANOSMIA. Identifiers: Orphanet 478, MedGen C1563719, MONDO:0010635, OMIM 308700. Disease mechanism: loss of function.

gnomAD v4.1: 2 of 1,154,482 alleles (0.00017%); highest among the groups gnomAD compares: Non-Finnish European, 0.00024%; no homozygotes.

Submission:

Labcorp Genetics (formerly Invitae), Labcorp
Classification: Uncertain significance for Hypogonadotropic hypogonadism 1 with or without anosmia. Last evaluated: 2025-08-04. Review status: criteria provided, single submitter. Criteria: Invitae Variant Classification Sherloc (09022015). Collection method: clinical testing. Allele origin: germline.
Comment: This sequence change replaces tyrosine, which is neutral and polar, with histidine, which is basic and polar, at codon 680 of the ANOS1 protein (p.Tyr680His). This variant is not present in population databases (gnomAD no frequency). This variant has not been reported in the literature in individuals affected with ANOS1-related conditions. An algorithm developed to predict the effect of missense changes on protein structure and function outputs the following: PolyPhen-2: "Probably Damaging". The histidine amino acid residue is found in multiple mammalian species, which suggests that this missense change does not adversely affect protein function. In summary, the available evidence is currently insufficient to determine the role of this variant in disease. Therefore, it has been classified as a Variant of Uncertain Significance.

NM_000216.4(ANOS1):c.2038T>C (p.Tyr680His)

Gene: ANOS1 (anosmin 1; minus strand). Cytogenetic location: Xp22.31.
Variant type: single nucleotide variant.
Coding change: c.2038T>C on transcript NM_000216.4 (MANE Select); coding-DNA position 2038, T replaced by C.
Protein change: p.Tyr680His; replaces tyrosine 680 with histidine.
Molecular consequence: missense variant.
Genome position (GRCh38, 1-based): chrX:8,533,000, A>G on the plus strand (T>C on the coding strand, the complement: ANOS1 is on the minus strand). VCF-style: chrX-8533000-A-G. GRCh37 (hg19) VCF-style: chrX-8501041-A-G.
Other names: short protein forms Y680H.
Identifiers: ClinVar variation 4764043 (VCV004764043.1).